The following is an entry in ClinVar:

ClinVar aggregate classification (germline): Uncertain significance (1 of 4 stars; one submission).

Submission:

Labcorp Genetics (formerly Invitae), Labcorp
Classification: Uncertain significance. Last evaluated: 2021-05-29. Review status: criteria provided, single submitter. Criteria: Invitae Variant Classification Sherloc (09022015). Collection method: clinical testing. Allele origin: germline.
Comment: This sequence change replaces glutamine with glutamic acid at codon 436 of the ADSSL1 protein (p.Gln436Glu). There is a small physicochemical difference between glutamine and glutamic acid. This variant is not present in population databases (ExAC no frequency). This variant has not been reported in the literature in individuals with ADSSL1-related conditions. Algorithms developed to predict the effect of missense changes on protein structure and function are either unavailable or do not agree on the potential impact of this missense change (SIFT: "Not Available"; PolyPhen-2: "Benign"; Align-GVGD: "Not Available"). In summary, the available evidence is currently insufficient to determine the role of this variant in disease. Therefore, it has been classified as a Variant of Uncertain Significance.

NM_152328.5(ADSS1):c.1177C>G (p.Gln393Glu)

Gene: ADSS1 (adenylosuccinate synthase 1; plus strand). Cytogenetic location: 14q32.33.
Variant type: single nucleotide variant.
Coding change: c.1177C>G on transcript NM_152328.5 (MANE Select); coding-DNA position 1177, C replaced by G.
Protein change: p.Gln393Glu; replaces glutamine 393 with glutamic acid.
Molecular consequence: missense variant.
Genome position (GRCh38, 1-based): chr14:104,746,241, C>G. VCF-style: chr14-104746241-C-G. GRCh37 (hg19) VCF-style: chr14-105212578-C-G.
Other names: c.562C>G, p.Gln188Glu (NM_001320424.1); c.1306C>G, p.Gln436Glu (NM_199165.2); short protein forms Q188E, Q393E, Q436E.
Identifiers: ClinVar variation 1682017 (VCV001682017.8), dbSNP rs2140833546, ClinGen allele CA391244712.